The following is an entry in ClinVar:

ClinVar aggregate classification (germline): Pathogenic/Likely pathogenic. Review status: criteria provided, multiple submitters, no conflicts (2 of 4 stars). 6 submissions from 6 submitters: Pathogenic (1); Likely pathogenic (5). Last evaluated 2025-09-26.

Conditions:
Pyknodysostosis. Also called: Pycnodysostosis. Identifiers: Orphanet 763, MedGen C0238402, MONDO:0009940, OMIM 265800.

Submissions (6):

Myriad Genetics, Inc.
Classification: Likely pathogenic for Pyknodysostosis. Last evaluated: 2025-09-26. Review status: criteria provided, single submitter. Criteria: Myriad Autosomal Dominant, Autosomal Recessive and X-Linked Classification Criteria (2023). Collection method: clinical testing. Allele origin: unknown.
Comment: NM_000396.3(CTSK):c.244-29A>G is an intronic variant classified as likely pathogenic in the context of pycnodysostosis. c.244-29A>G has been observed in cases with relevant disease (PMID: 33963797). Relevant functional assessments of this variant are not available in the literature. c.244-29A>G has not been observed in referenced population frequency databases. In summary, NM_000396.3(CTSK):c.244-29A>G is an intronic variant that has been observed more frequently in cases with the relevant disease than in healthy populations. Please note: this variant was assessed in the context of healthy population screening.

Genomic Medicine Center of Excellence, King Faisal Specialist Hospital and Research Centre
Classification: Likely pathogenic for Pyknodysostosis. Last evaluated: 2024-04-04. Review status: criteria provided, single submitter. Criteria: ACMG Guidelines, 2015. Collection method: clinical testing. Allele origin: germline.

Baylor Genetics
Classification: Likely pathogenic for Pyknodysostosis. Last evaluated: 2024-03-10. Review status: criteria provided, single submitter. Criteria: ACMG Guidelines, 2015. Collection method: clinical testing. Allele origin: unknown.

Genome-Nilou Lab
Classification: Likely pathogenic for Pyknodysostosis. Last evaluated: 2023-04-11. Review status: criteria provided, single submitter. Criteria: ACMG Guidelines, 2015. Collection method: clinical testing. Allele origin: germline. Affected: no.

Labcorp Genetics (formerly Invitae), Labcorp
Classification: Pathogenic. Last evaluated: 2022-06-09. Review status: criteria provided, single submitter. Criteria: Invitae Variant Classification Sherloc (09022015). Collection method: clinical testing. Allele origin: germline.
Comment: This variant is not present in population databases (gnomAD no frequency). For these reasons, this variant has been classified as Pathogenic. Algorithms developed to predict the effect of sequence changes on RNA splicing suggest that this variant may create or strengthen a splice site. ClinVar contains an entry for this variant (Variation ID: 982106). This variant has been observed in individuals with clinical features of pycnodysostosis (PMID: 29620724, 33963797). It is commonly reported in individuals of Saudi Arabia ancestry (PMID: 33963797). This sequence change falls in intron 3 of the CTSK gene. It does not directly change the encoded amino acid sequence of the CTSK protein.

Pathology and Clinical Laboratory Medicine, King Fahad Medical City
Classification: Likely pathogenic for Pyknodysostosis. Review status: criteria provided, single submitter. Criteria: ACMG Guidelines, 2015. Collection method: clinical testing. Allele origin: germline. Affected: yes. Observed: 5 variant alleles.

Literature cited by the submitters: PubMed 33963797 (cited by Myriad Genetics, Inc. and Labcorp Genetics (formerly Invitae), Labcorp); PubMed 29620724 (cited by Labcorp Genetics (formerly Invitae), Labcorp).

NM_000396.4(CTSK):c.244-29A>G

Gene: CTSK (cathepsin K; minus strand). Cytogenetic location: 1q21.3.
Variant type: single nucleotide variant.
Coding change: c.244-29A>G on transcript NM_000396.4 (MANE Select); 29 bases into the intron before coding-DNA position 244, A replaced by G.
Molecular consequence: intron variant.
Genome position (GRCh38, 1-based): chr1:150,806,045, T>C on the plus strand (A>G on the coding strand, the complement: CTSK is on the minus strand). VCF-style: chr1-150806045-T-C. GRCh37 (hg19) VCF-style: chr1-150778521-T-C.
Identifiers: ClinVar variation 982106 (VCV000982106.10), dbSNP rs1654085401, ClinGen allele CA1139656302.
Genomic context (GRCh38, chr1:150,806,045, plus strand): 5'-CCAGTCATCTTCTGAACCACCTCTTCACTGGTCTAAGACAAAGAAGAAAGAGGCCAGGCA[T>C]CAGCAGGGAACTAAAGCAAATGGTGCAGGTGGGACAGGAGCTGAAGCTATACTTGCCATG-3'